The following is an entry in ClinVar:

ClinVar aggregate classification (germline): Uncertain significance. Review status: criteria provided, multiple submitters, no conflicts (2 of 4 stars). 3 submissions from 3 submitters: Uncertain significance (3). Last evaluated 2024-10-28.

gnomAD v4.1: 140 of 1,611,824 alleles (0.0087%); highest among the groups gnomAD compares: Middle Eastern, 0.033%; no homozygotes.

Submissions (3):

Ambry Genetics
Classification: Uncertain significance. Last evaluated: 2024-10-28. Review status: criteria provided, single submitter. Criteria: Ambry Variant Classification Scheme 2023. Collection method: clinical testing. Allele origin: germline.

Blueprint Genetics
Classification: Uncertain significance. Last evaluated: 2024-09-05. Review status: criteria provided, single submitter. Criteria: ACMG Guidelines, 2015. Collection method: clinical testing. Allele origin: germline.

Labcorp Genetics (formerly Invitae), Labcorp
Classification: Uncertain significance. Last evaluated: 2021-08-14. Review status: criteria provided, single submitter. Criteria: Invitae Variant Classification Sherloc (09022015). Collection method: clinical testing. Allele origin: germline.
Comment: This sequence change replaces proline with leucine at codon 466 of the LRRC56 protein (p.Pro466Leu). The proline residue is weakly conserved and there is a moderate physicochemical difference between proline and leucine. This variant is present in population databases (rs772558927, ExAC 0.02%). This variant has not been reported in the literature in individuals affected with LRRC56-related conditions. Algorithms developed to predict the effect of missense changes on protein structure and function output the following: SIFT: "Tolerated"; PolyPhen-2: "Benign"; Align-GVGD: "Class C0". The leucine amino acid residue is found in multiple mammalian species, which suggests that this missense change does not adversely affect protein function. In summary, the available evidence is currently insufficient to determine the role of this variant in disease. Therefore, it has been classified as a Variant of Uncertain Significance.

NM_198075.4(LRRC56):c.1397C>T (p.Pro466Leu)

Gene: LRRC56 (leucine rich repeat containing 56; plus strand). Cytogenetic location: 11p15.5.
Variant type: single nucleotide variant.
Coding change: c.1397C>T on transcript NM_198075.4 (MANE Select); coding-DNA position 1397, C replaced by T.
Protein change: p.Pro466Leu; replaces proline 466 with leucine.
Molecular consequence: missense variant.
Genome position (GRCh38, 1-based): chr11:554,044, C>T. VCF-style: chr11-554044-C-T. GRCh37 (hg19) VCF-style: chr11-554044-C-T.
Other names: c.1397C>T (NM_198075.3); short protein forms P466L.
Identifiers: ClinVar variation 1447286 (VCV001447286.6), dbSNP rs772558927, ClinGen allele CA5780092.